The following is an entry in ClinVar:

NM_052947.4(ALPK2):c.2744A>G (p.Glu915Gly)

Gene: ALPK2 (alpha kinase 2; minus strand). Cytogenetic location: 18q21.31.
Variant type: single nucleotide variant.
Coding change: c.2744A>G on transcript NM_052947.4 (MANE Select); coding-DNA position 2744, A replaced by G.
Protein change: p.Glu915Gly; replaces glutamic acid 915 with glycine.
Molecular consequence: missense variant.
Genome position (GRCh38, 1-based): chr18:58,537,443, T>C on the plus strand (A>G on the coding strand, the complement: ALPK2 is on the minus strand). VCF-style: chr18-58537443-T-C. GRCh37 (hg19) VCF-style: chr18-56204675-T-C.
Other names: short protein forms E915G.
Identifiers: ClinVar variation 1795469 (VCV001795469.3), dbSNP rs2518877296, ClinGen allele CA402569874.
Genomic context (GRCh38, chr18:58,537,443, plus strand): 5'-CTGGGGCTTGGCTGCTCCTGGCCAGCATGTACTGTGGAGGCCAGTGGGTAGGTGGAATTC[T>C]CCACCTTGGCTAGATTTTCTCCTGTGGCACCTTCACTAGCTGTGTGTGAAATGTTCAAGG-3'
Protein context (NP_443179.3, residues 905-925): GATGENLAKV[Glu915Gly]NSTYPLASTV

ClinVar aggregate classification (germline): Uncertain significance (1 of 4 stars; one submission).

Submission:

Ambry Genetics
Classification: Uncertain significance. Last evaluated: 2024-11-05. Review status: criteria provided, single submitter. Criteria: Ambry Variant Classification Scheme 2023. Collection method: clinical testing. Allele origin: germline.
Comment: The p.E915G variant (also known as c.2744A>G), located in coding exon 4 of the ALPK2 gene, results from an A to G substitution at nucleotide position 2744. The glutamic acid at codon 915 is replaced by glycine, an amino acid with similar properties. This amino acid position is conserved. In addition, this alteration is predicted to be tolerated by in silico analysis. Since supporting evidence is limited at this time, the clinical significance of this alteration remains unclear.